The following is an entry in ClinVar:

ClinVar aggregate classification (germline): Likely benign. Review status: criteria provided, multiple submitters, no conflicts (2 of 4 stars). 3 submissions from 3 submitters: Likely benign (3). Last evaluated 2026-01-14.

Allele frequency attached by ClinVar (database versions not stated): ExAC 0.00017; gnomAD exomes 0.00019; ESP Exome Variant Server 0.00024; TOPMed 0.00043; gnomAD 0.00044 and 0.00046; 1000 Genomes Project 30x 0.00062; 1000 Genomes Project 0.00080.
gnomAD v4.1: 239 of 1,600,154 alleles (0.015%); highest among the groups gnomAD compares: African/African-American, 0.13%; 2 homozygotes.

Submissions (3):

Labcorp Genetics (formerly Invitae), Labcorp
Classification: Likely benign. Last evaluated: 2026-01-14. Review status: criteria provided, single submitter. Criteria: Invitae Variant Classification Sherloc (09022015). Collection method: clinical testing. Allele origin: germline.

Blueprint Genetics
Classification: Likely benign. Last evaluated: 2024-10-07. Review status: criteria provided, single submitter. Criteria: ACMG Guidelines, 2015. Collection method: clinical testing. Allele origin: germline.

GeneDx
Classification: Likely benign. Last evaluated: 2017-05-15. Review status: criteria provided, single submitter. Criteria: GeneDx Variant Classification (06012015). Collection method: clinical testing. Allele origin: germline. Affected: yes.
Comment: This variant is considered likely benign or benign based on one or more of the following criteria: it is a conservative change, it occurs at a poorly conserved position in the protein, it is predicted to be benign by multiple in silico algorithms, and/or has population frequency not consistent with disease.

NM_002768.5(CHMP1A):c.253-17G>A

Gene: CHMP1A (charged multivesicular body protein 1A; minus strand). Cytogenetic location: 16q24.3.
Variant type: single nucleotide variant.
Coding change: c.253-17G>A on transcript NM_002768.5 (MANE Select); 17 bases into the intron before coding-DNA position 253, G replaced by A.
Molecular consequence: intron variant.
Genome position (GRCh38, 1-based): chr16:89,647,348, C>T on the plus strand (G>A on the coding strand, the complement: CHMP1A is on the minus strand). VCF-style: chr16-89647348-C-T. GRCh37 (hg19) VCF-style: chr16-89713756-C-T.
Other names: c.233-17G>A (NM_001083314.4).
Identifiers: ClinVar variation 509420 (VCV000509420.10), dbSNP rs201254382, ClinGen allele CA8247079.
Genomic context (GRCh38, chr16:89,647,348, plus strand): 5'-GCCTTGTCCAGGGCTTTGGTCACCTGGGCCATATTCTTGGTCACCTGAGACAGGAGAGAG[C>T]GCAGGAGGGAACAGGATGAAAGGCAAGTGGAGCTCACGCACCAGGGACGGGTCCCCTGGA-3'